The following is an entry in ClinVar:

NM_001267550.2(TTN):c.66461A>C (p.Gln22154Pro)

Genes: TTN (titin; minus strand), TTN-AS1 (TTN antisense RNA 1; plus strand). Cytogenetic location: 2q31.2.
Variant type: single nucleotide variant.
Coding change: c.66461A>C on transcript NM_001267550.2 (MANE Select); coding-DNA position 66461, A replaced by C.
Protein change: p.Gln22154Pro; replaces glutamine 22154 with proline.
Molecular consequence: missense variant.
Genome position (GRCh38, 1-based): chr2:178,581,908, T>G on the plus strand (A>C on the coding strand, the complement: TTN is on the minus strand). VCF-style: chr2-178581908-T-G. GRCh37 (hg19) VCF-style: chr2-179446635-T-G.
Other names: c.61538A>C, p.Gln20513Pro (NM_001256850.1); c.39266A>C, p.Gln13089Pro (NM_003319.4); c.58757A>C, p.Gln19586Pro (NM_133378.4); c.39641A>C, p.Gln13214Pro (NM_133432.3); c.39842A>C, p.Gln13281Pro (NM_133437.4); short protein forms Q22154P, Q13089P, Q13214P, Q13281P, Q20513P, Q19586P.
Identifiers: ClinVar variation 1736227 (VCV001736227.2), dbSNP rs755563178, ClinGen allele CA1991526.

ClinVar aggregate classification (germline): Uncertain significance (1 of 4 stars; one submission).

Conditions:
Cardiovascular phenotype. Identifiers: MedGen CN230736.

Allele frequency attached by ClinVar (database versions not stated): ExAC 0.00001; TOPMed 0.00001.
gnomAD v4.1: 3 of 1,612,926 alleles (0.00019%); highest among the groups gnomAD compares: African/African-American, 0.0013%; no homozygotes.

Submission:

Ambry Genetics
Classification: Uncertain significance for Cardiovascular phenotype. Last evaluated: 2019-12-04. Review status: criteria provided, single submitter. Criteria: Ambry Variant Classification Scheme 2023. Collection method: clinical testing. Allele origin: germline.
Comment: The p.Q13089P variant (also known as c.39266A>C), located in coding exon 142 of the TTN gene, results from an A to C substitution at nucleotide position 39266. The glutamine at codon 13089 is replaced by proline, an amino acid with similar properties. This amino acid position is poorly conserved in available vertebrate species. In addition, this alteration is predicted to be tolerated by in silico analysis. Since supporting evidence is limited at this time, the clinical significance of this alteration remains unclear.